The following is an entry in ClinVar:

NM_000245.4(MET):c.1408T>A (p.Ser470Thr)

Gene: MET (MET proto-oncogene, receptor tyrosine kinase; plus strand). Cytogenetic location: 7q31.2.
Variant type: single nucleotide variant.
Coding change: c.1408T>A on transcript NM_000245.4 (MANE Select); coding-DNA position 1408, T replaced by A.
Protein change: p.Ser470Thr; replaces serine 470 with threonine.
Molecular consequence: missense variant.
Genome position (GRCh38, 1-based): chr7:116,739,965, T>A. VCF-style: chr7-116739965-T-A. GRCh37 (hg19) VCF-style: chr7-116380019-T-A.
Other names: c.1408T>A, p.Ser470Thr (NM_001127500.3, NM_001324401.3); c.118T>A, p.Ser40Thr (NM_001324402.2); short protein forms S40T, S470T.
Identifiers: ClinVar variation 640531 (VCV000640531.16), dbSNP rs1484724510, ClinGen allele CA368974032.

ClinVar aggregate classification (germline): Conflicting classifications of pathogenicity. Review status: criteria provided, conflicting classifications (1 of 4 stars). 4 submissions from 4 submitters: Uncertain significance (3); Likely benign (1). Last evaluated 2026-01-19.

Conditions:
Renal cell carcinoma. Identifiers: Orphanet 217071, MedGen C0007134, MeSH D002292, MONDO:0005086, HP:0005584.
Hereditary cancer-predisposing syndrome. Also called: Neoplastic Syndromes, Hereditary; Tumor predisposition; Hereditary Cancer Syndrome; Hereditary neoplastic syndrome. Identifiers: Orphanet 140162, MedGen C0027672, MeSH D009386, MONDO:0015356.
Autosomal recessive nonsyndromic hearing loss 97. Also called: Deafness, autosomal recessive 97. Identifiers: Orphanet 90636, MedGen C4084709, MONDO:0014739, OMIM 616705.

Allele frequency attached by ClinVar (database versions not stated): gnomAD exomes below 0.00001; gnomAD 0.00002 and 0.00003; TOPMed 0.00002.
gnomAD v4.1: 5 of 1,614,010 alleles (0.00031%); highest among the groups gnomAD compares: African/African-American, 0.0013%; no homozygotes.

Submissions (4):

Labcorp Genetics (formerly Invitae), Labcorp
Classification: Uncertain significance for Renal cell carcinoma. Last evaluated: 2026-01-19. Review status: criteria provided, single submitter. Criteria: Invitae Variant Classification Sherloc (09022015). Collection method: clinical testing. Allele origin: germline.
Comment: This sequence change replaces serine, which is neutral and polar, with threonine, which is neutral and polar, at codon 470 of the MET protein (p.Ser470Thr). This variant is present in population databases (no rsID available, gnomAD 0.0009%). This variant has not been reported in the literature in individuals affected with MET-related conditions. ClinVar contains an entry for this variant (Variation ID: 640531). Invitae Evidence Modeling of protein sequence and biophysical properties (such as structural, functional, and spatial information, amino acid conservation, physicochemical variation, residue mobility, and thermodynamic stability) indicates that this missense variant is not expected to disrupt MET protein function with a negative predictive value of 80%. In summary, the available evidence is currently insufficient to determine the role of this variant in disease. Therefore, it has been classified as a Variant of Uncertain Significance.

Ambry Genetics
Classification: Likely benign for Hereditary cancer-predisposing syndrome. Last evaluated: 2024-01-16. Review status: criteria provided, single submitter. Criteria: Ambry Variant Classification Scheme 2023. Collection method: clinical testing. Allele origin: germline.

GeneDx
Classification: Uncertain significance. Last evaluated: 2023-11-20. Review status: criteria provided, single submitter. Criteria: GeneDx Variant Classification Process June 2021. Collection method: clinical testing. Allele origin: germline. Affected: yes.
Comment: Not observed at significant frequency in large population cohorts (gnomAD); In silico analysis supports that this missense variant does not alter protein structure/function; In silico analysis, which includes splice predictors and evolutionary conservation, suggests this variant may impact gene splicing. In the absence of RNA/functional studies, the actual effect of this sequence change is unknown.; Has not been previously published as pathogenic or benign to our knowledge

Baylor Genetics
Classification: Uncertain significance for Autosomal recessive nonsyndromic hearing loss 97. Last evaluated: 2023-09-09. Review status: criteria provided, single submitter. Criteria: ACMG Guidelines, 2015. Collection method: clinical testing. Allele origin: unknown.